The following is an entry in ClinVar:

ClinVar aggregate classification (germline): Uncertain significance (1 of 4 stars; one submission).

Conditions:
Immunodeficiency due to MASP-2 deficiency. Also called: MASP2 deficiency; LECTIN COMPLEMENT ACTIVATION PATHWAY, DEFECT IN, 2. Identifiers: Orphanet 331187, MedGen C3151085, MONDO:0013423, OMIM 613791.

Allele frequency attached by ClinVar (database versions not stated): gnomAD 0.00001; TOPMed 0.00002; gnomAD exomes below 0.00001; ExAC 0.00001.

Submission:

Baylor Genetics
Classification: Uncertain significance for Immunodeficiency due to MASP-2 deficiency. Last evaluated: 2018-02-06. Review status: criteria provided, single submitter. Criteria: ACMG Guidelines, 2015. Collection method: clinical testing. Allele origin: maternal. Affected: yes.
Comment: This variant was determined to be of uncertain significance according to ACMG Guidelines, 2015 [PMID:25741868].

NM_006610.4(MASP2):c.503G>A (p.Arg168His)

Gene: MASP2 (MBL associated serine protease 2; minus strand). Cytogenetic location: 1p36.22.
Variant type: single nucleotide variant.
Coding change: c.503G>A on transcript NM_006610.4 (MANE Select); coding-DNA position 503, G replaced by A.
Protein change: p.Arg168His; replaces arginine 168 with histidine.
Molecular consequence: missense variant.
Genome position (GRCh38, 1-based): chr1:11,045,449, C>T on the plus strand (G>A on the coding strand, the complement: MASP2 is on the minus strand). VCF-style: chr1-11045449-C-T. GRCh37 (hg19) VCF-style: chr1-11105506-C-T.
Other names: c.503G>A, p.Arg168His (NM_139208.3); short protein forms R168H.
Identifiers: ClinVar variation 1032465 (VCV001032465.1), dbSNP rs778384259, ClinGen allele CA587083.